The following is an entry in ClinVar:

ClinVar aggregate classification (germline): Uncertain significance (1 of 4 stars; one submission).

Submission:

GeneDx
Classification: Uncertain significance. Last evaluated: 2023-05-13. Review status: criteria provided, single submitter. Criteria: GeneDx Variant Classification Process June 2021. Collection method: clinical testing. Allele origin: germline. Affected: yes.
Comment: Not observed at significant frequency in large population cohorts (gnomAD); In silico analysis supports that this missense variant does not alter protein structure/function; Has not been previously published as pathogenic or benign to our knowledge

NM_006734.4(HIVEP2):c.4742G>A (p.Ser1581Asn)

Gene: HIVEP2 (HIVEP zinc finger 2; minus strand). Cytogenetic location: 6q24.2.
Variant type: single nucleotide variant.
Coding change: c.4742G>A on transcript NM_006734.4 (MANE Select); coding-DNA position 4742, G replaced by A.
Protein change: p.Ser1581Asn; replaces serine 1581 with asparagine.
Molecular consequence: missense variant.
Genome position (GRCh38, 1-based): chr6:142,769,997, C>T on the plus strand (G>A on the coding strand, the complement: HIVEP2 is on the minus strand). VCF-style: chr6-142769997-C-T. GRCh37 (hg19) VCF-style: chr6-143091134-C-T.
Other names: short protein forms S1581N.
Identifiers: ClinVar variation 2662358 (VCV002662358.1), dbSNP rs2482819802, ClinGen allele CA365898297.